The following is an entry in ClinVar:

ClinVar aggregate classification (germline): Benign. Review status: criteria provided, multiple submitters, no conflicts (2 of 4 stars). 3 submissions from 3 submitters: Benign (3). Last evaluated 2024-07-31.

Allele frequency attached by ClinVar (database versions not stated): 1000 Genomes Project 30x 0.09041; 1000 Genomes Project 0.09205; TOPMed 0.12891; gnomAD 0.14189 and 0.14365; gnomAD exomes 0.16499 and 0.17696; ExAC 0.21906.
gnomAD v4.1: 258,004 of 1,491,060 alleles (17%); highest among the groups gnomAD compares: Middle Eastern, 19%; 24,161 homozygotes.

Submissions (3):

Unidad de Genómica Garrahan, Hospital de Pediatría Garrahan
Classification: Benign. Last evaluated: 2024-07-31. Review status: criteria provided, single submitter. Criteria: ACMG Guidelines, 2015. Collection method: clinical testing. Allele origin: germline. Affected: no. Observed: 28 variant alleles.
Comment: This variant is classified as Benign based on local population frequency. This variant was detected in 30% of patients studied in a panel designed for Epileptic and Developmental Encephalopathy, Progressive Myoclonus Epilepsy and Abnormal Movements and Neurodegeneration with brain iron accumulation. Number of patients: 28. Only high quality variants are reported.

GeneDx
Classification: Benign. Last evaluated: 2018-06-23. Review status: criteria provided, single submitter. Criteria: GeneDx Variant Classification Process June 2021. Collection method: clinical testing. Allele origin: germline. Affected: yes.

Breakthrough Genomics
Classification: Benign. Review status: criteria provided, single submitter. Criteria: ACMG Guidelines, 2015. Collection method: not provided. Allele origin: germline. Inheritance: Autosomal recessive inheritance. Affected: yes.

NM_024537.4(CARS2):c.225-82A>C

Gene: CARS2 (cysteinyl-tRNA synthetase 2, mitochondrial; minus strand). Cytogenetic location: 13q34.
Variant type: single nucleotide variant.
Coding change: c.225-82A>C on transcript NM_024537.4 (MANE Select); 82 bases into the intron before coding-DNA position 225, A replaced by C.
Molecular consequence: intron variant.
Genome position (GRCh38, 1-based): chr13:110,705,653, T>G on the plus strand (A>C on the coding strand, the complement: CARS2 is on the minus strand). VCF-style: chr13-110705653-T-G. GRCh37 (hg19) VCF-style: chr13-111358000-T-G.
Other names: c.-775-82A>C (NM_001352252.2); c.225-82A>C (NM_001352253.3).
Identifiers: ClinVar variation 1290254 (VCV001290254.5), dbSNP rs9521906, ClinGen allele CA7052357.